The following is an entry in ClinVar:

ClinVar aggregate classification (germline): Uncertain significance (0 of 4 stars; one submission).

Conditions:
SRCAP-related disorder. Also called: SRCAP-related condition.

gnomAD v4.1: 2 of 1,614,242 alleles (0.00012%); highest among the groups gnomAD compares: African/African-American, 0.0013%; no homozygotes.

Submission:

PreventionGenetics, part of Exact Sciences
Classification: Uncertain significance for SRCAP-related condition. Last evaluated: 2024-07-26. Review status: no assertion criteria provided. Collection method: clinical testing. Allele origin: germline.
Comment: The SRCAP c.1151C>T variant is predicted to result in the amino acid substitution p.Ser384Phe. To our knowledge, this variant has not been reported in the literature or in a large population database, indicating this variant is rare. At this time, the clinical significance of this variant is uncertain due to the absence of conclusive functional and genetic evidence.

NM_006662.3(SRCAP):c.1151C>T (p.Ser384Phe)

Gene: SRCAP (Snf2 related CREBBP activator protein; plus strand). Cytogenetic location: 16p11.2.
Variant type: single nucleotide variant.
Coding change: c.1151C>T on transcript NM_006662.3 (MANE Select); coding-DNA position 1151, C replaced by T.
Protein change: p.Ser384Phe; replaces serine 384 with phenylalanine.
Molecular consequence: missense variant.
Genome position (GRCh38, 1-based): chr16:30,710,770, C>T. VCF-style: chr16-30710770-C-T. GRCh37 (hg19) VCF-style: chr16-30722091-C-T.
Other names: short protein forms S384F.
Identifiers: ClinVar variation 2631228 (VCV002631228.2), dbSNP rs2506624362, ClinGen allele CA395602927.